The following continues an entry in ClinVar:

NM_000432.4(MYL2):c.37G>A (p.Ala13Thr)

ClinVar aggregate classification (germline): Conflicting classifications of pathogenicity. Uncertain significance (9); Benign (2); Likely benign (6).

Submissions 9 to 22 of 22:

Clinical Genomics Laboratory, Stanford Medicine
Classification: Uncertain significance for Hypertrophic cardiomyopathy 10. Last evaluated: 2021-06-10. Review status: criteria provided, single submitter. Criteria: ACMG Guidelines, 2015. Collection method: clinical testing. Allele origin: germline. Affected: yes. Observed: 1 heterozygote.
Comment: The p.Ala13Thr variant in the MYL2 gene has been previously reported in 3 unrelated individuals with hypertrophic cardiomyopathy and 1 unrelated asymptotic individual; this variant co-segregated with disease in at least 1 affected relative and failed to segregate with disease in at least 1 affected relative (Andersen et al., 2001; Ball et al., 2012; Li et al., 2017; Poetter et al., 1996). This variant has also been identified in 56/10,360 Ashkenazi Jewish and 29/129,136 European chromosomes by the Genome Aggregation Database. This allele frequency is greater than would be expected to be disease-causing for hypertrophic cardiomyopathy. Functional studies of the p.Ala13Thr variant are supportive of a deleterious effect to the protein; however, it is unclear if this would be sufficient to be disease-causing (Kazmierczak et al., 2012). Computational tools predict that this variant is deleterious; however, the accuracy of in silico algorithms is limited. These data were assessed using the ACMG/AMP variant interpretation guidelines. In summary, the significance of the p.Ala13Thr variant is uncertain. Additional information is needed to resolve the significance of this variant. [ACMG evidence codes used: PS3_supporting; PP3; BS1]

Ambry Genetics
Classification: Likely benign for Cardiovascular phenotype. Last evaluated: 2020-09-30. Review status: criteria provided, single submitter. Criteria: Ambry Variant Classification Scheme 2023. Collection method: clinical testing. Allele origin: germline.

CENTOGENE GmbH and LLC - Guiding Precision Medicine
Classification: Uncertain significance for Hypertrophic cardiomyopathy 10. Last evaluated: 2020-08-25. Review status: criteria provided, single submitter. Criteria: ACMG Guidelines, 2015. Collection method: clinical testing. Allele origin: germline. Affected: yes.

Laboratory for Molecular Medicine, Mass General Brigham Personalized Medicine
Classification: Uncertain significance. Last evaluated: 2019-04-04. Review status: criteria provided, single submitter. Criteria: ACMG Guidelines, 2015. Collection method: clinical testing. Allele origin: germline.
Comment: The p.Ala13Thr variant in MYL2 has been reported in 6 individuals with HCM and segregated with disease in 3 affected relatives from 2 families (Poetter 1996, Andersen 2001, Hougs 2005, Klaassen 2008, Mook 2013, LMM data). However, 2 additional relatives with cardiomyopathy from 2 families did not carry the p.Ala13Thr variant (2 non-segregations; Andersen 2001, LMM data). It has also been identified in 0.05% (34/66444) of European chromosomes by the Exome Aggregation Consortium (ExAC; dbSNP rs104894363). Functional studies examining effects of this mutation on protein function were not conclusive (Szczesna 2001, Szczesna-Cordary 2004, Farman 2014). Transgenic mice with the p.Ala13Thr variant have left ventricular hypertrophy (Kazmierczak 2012). However, this study may not accurately represent biological function. In summary, due to conflicting information, the clinical significance of the p.Ala13Thr variant is uncertain.

Equipe Genetique des Anomalies du Developpement, Université de Bourgogne
Classification: Uncertain significance for Hypertrophic cardiomyopathy 10. Last evaluated: 2018-11-21. Review status: criteria provided, single submitter. Criteria: ACMG Guidelines, 2015. Collection method: clinical testing. Allele origin: unknown.

Color Diagnostics, LLC DBA Color Health
Classification: Benign for Cardiomyopathy. Last evaluated: 2018-11-16. Review status: criteria provided, single submitter. Criteria: ACMG Guidelines, 2015. Collection method: clinical testing. Allele origin: germline.

Biesecker Lab/Clinical Genomics Section, National Institutes of Health
Classification: Benign for Cardiomyopathy, hypertrophic. Last evaluated: 2018-04-05. Review status: criteria provided, single submitter. Criteria: ACMG Guidelines, 2015. Collection method: research. Allele origin: unknown. Affected: no. Observed: 1 variant allele.
Comment: The study set was not selected for affection status in relation to arrhythmia or cardiomyopathy. Pathogenicity categories were based on literature curation. See Pubmed ID:25741868 for details.

Medical sequencing

Agnes Ginges Centre for Molecular Cardiology, Centenary Institute
Classification: Likely benign for Hypertrophic cardiomyopathy 1. Last evaluated: 2017-08-29. Review status: criteria provided, single submitter. Criteria: Agnes Ginges Centre for Molecular Cardiology criteria (2015). Collection method: research. Allele origin: germline. Inheritance: Autosomal dominant inheritance. Affected: yes.
Comment: The MYL2 Ala13Thr variant has been identified in multiple unrelated cases of HCM (see references) and was absent in over 350 normal chromosomes (Poetter et al., 1996; Anderson et al., 2001). It is also observed in the Exome Aggregation Consortium dataset with an allele frequency of 0.03% (37 alleles). Evidence of MYL2 Ala13Thr segregation with disease has been weak. Li et al, (2017) describes a HCM family consisting of 3 affected family members, 3 variants were identified in the proband, including MYL2 Ala13Thr, but unlike the other 2 variants, it did not segregate to all 3 affected. 1 genotype-negative individual had left ventricular hypertrophy which may be due to hypertension and obesity. The disease in this same family was later suspected to be due to another variant (MYH7 Asn1327Lys) but this did not segregate in 1 clinically affected individual who met diagnostic criteria for HCM (Hougs et al., 2004). Additionally, MYL2 Ala13Thr was found not to segregate with disease in an additional HCM family identified by LMM, they harboured an MYBPC3 variant (Ball et al., 2012). Further, it failed to segregate in one LVNC family (Klassen S, et al., 2008). Two of the HCM families described above were Ashekenazi Jewish (Anderson et al., 2001; Ball et al., 2012), interestingly genome screening in 44 Ashkenazi Jewish centenarians identified MYL2 A13T in 2 people over the age of 94yrs, suggesting that this variant is a common polymorphism in this sub-population (Fraundenberg-Hua Y, et al., 2014). Functional studies including cell models suggest that MYL2 Ala13Thr may alter contractile function (Szczesna-Cordary D, et al., 2001; Roopnarine O, 2003; Szczesna-Cordary et al., 2004) and actin filament velocity (Farman GP, et al., 2014) in cardiac cells. A transgenic mouse model published by Kazmierczak et al., (2012) showed abnormal remodelling of the heart. However, it is noted that these studies may not accurately represent the biological system, in fact the amino acid at this position is not conserved in rats or mice. We have identified the MYL2 Ala13Thr variant in 2 HCM probands, both of North West European descent. Neither proband has a family history of HCM or sudden cardiac death. Although there is reasonable supportive evidence for the pathogenicty of MYL2 Ala13Thr, based on the lack of segregation reported and a population frequency greater 0.02%, we classify this variant as "likely benign".

Knight Diagnostic Laboratories, Oregon Health and Sciences University
Classification: Uncertain significance for Hypertrophic cardiomyopathy 10. Last evaluated: 2016-01-27. Review status: criteria provided, single submitter. Criteria: ACMG Guidelines, 2015. Collection method: clinical testing. Allele origin: germline. Affected: no. Study: CSER-NextGen.

CSER _CC_NCGL, University of Washington
Classification: Uncertain significance for Cardiomyopathy, hypertrophic. Last evaluated: 2014-06-01. Review status: no assertion criteria provided. Collection method: research. Allele origin: germline. Inheritance: Autosomal dominant inheritance. Study: ESP 6500 variant annotation. Not counted in ClinVar's aggregate classification.
Comment: Variants classified for the Actionable exomic incidental findings in 6503 participants: challenges of variant classification manuscript

Leiden Muscular Dystrophy (MYL2)
No classification provided. Condition: Familial hypertrophic cardiomyopathy 10. Last evaluated: 2012-03-26. Review status: no classification provided. Collection method: curation. Allele origin: germline. Not counted in ClinVar's aggregate classification.

OMIM
Classification: Pathogenic for CARDIOMYOPATHY, FAMILIAL HYPERTROPHIC, 10. Last evaluated: 1996-05-01. Review status: no assertion criteria provided. Collection method: literature only. Allele origin: germline. Not counted in ClinVar's aggregate classification.

Clinical Genetics DNA and cytogenetics Diagnostics Lab, Erasmus MC, Erasmus Medical Center
Classification: Likely benign. Review status: no assertion criteria provided. Collection method: clinical testing. Allele origin: germline. Affected: yes. Study: VKGL Data-share Consensus. Not counted in ClinVar's aggregate classification.

Clinical Genetics, Academic Medical Center
Classification: Likely benign. Review status: no assertion criteria provided. Collection method: clinical testing. Allele origin: germline. Affected: yes. Study: VKGL Data-share Consensus. Not counted in ClinVar's aggregate classification.

Literature cited by the submitters: PubMed 11748309 (cited by 4 submitters); PubMed 9742053 (cited by Women's Health and Genetics/Laboratory Corporation of America, LabCorp); PubMed 15483641 (cited by 4 submitters); PubMed 15706574 (cited by Women's Health and Genetics/Laboratory Corporation of America, LabCorp); PubMed 10494800 (cited by Women's Health and Genetics/Laboratory Corporation of America, LabCorp); PubMed 11102452 (cited by 4 submitters); PubMed 8673105 (cited by 5 submitters); PubMed 14594949 (cited by 4 submitters); PubMed 18506004 (cited by 4 submitters); PubMed 12668451 (cited by Women's Health and Genetics/Laboratory Corporation of America, LabCorp and Agnes Ginges Centre for Molecular Cardiology, Centenary Institute); PubMed 16076902 (cited by Women's Health and Genetics/Laboratory Corporation of America, LabCorp); PubMed 11133219 (cited by Women's Health and Genetics/Laboratory Corporation of America, LabCorp); PubMed 19150977 (cited by Women's Health and Genetics/Laboratory Corporation of America, LabCorp); PubMed 21415409 (cited by Women's Health and Genetics/Laboratory Corporation of America, LabCorp); PubMed 22091967 (cited by 4 submitters); PubMed 16837010 (cited by Women's Health and Genetics/Laboratory Corporation of America, LabCorp); PubMed 39486665 (cited by Women's Health and Genetics/Laboratory Corporation of America, LabCorp); PubMed 22797899 (cited by Ambry Genetics and Agnes Ginges Centre for Molecular Cardiology, Centenary Institute); PubMed 22958901 (cited by Ambry Genetics); PubMed 23197161 (cited by 3 submitters); PubMed 23299917 (cited by Ambry Genetics); PubMed 23861362 (cited by Ambry Genetics and Agnes Ginges Centre for Molecular Cardiology, Centenary Institute); PubMed 24111713 (cited by Ambry Genetics); PubMed 25324513 (cited by 3 submitters); PubMed 25333069 (cited by Ambry Genetics and Agnes Ginges Centre for Molecular Cardiology, Centenary Institute); PubMed 25351510 (cited by Ambry Genetics); PubMed 25637381 (cited by Ambry Genetics); PubMed 26664906 (cited by Ambry Genetics and Agnes Ginges Centre for Molecular Cardiology, Centenary Institute); PubMed 27153395 (cited by Ambry Genetics); PubMed 28223422 (cited by 3 submitters); PubMed 23785128 (cited by Laboratory for Molecular Medicine, Mass General Brigham Personalized Medicine).